The following is an entry in ClinVar:

ClinVar aggregate classification (germline): Uncertain significance (1 of 4 stars; one submission).

Submission:

Labcorp Genetics (formerly Invitae), Labcorp
Classification: Uncertain significance. Last evaluated: 2023-09-09. Review status: criteria provided, single submitter. Criteria: Invitae Variant Classification Sherloc (09022015). Collection method: clinical testing. Allele origin: germline.
Comment: In summary, the available evidence is currently insufficient to determine the role of this variant in disease. Therefore, it has been classified as a Variant of Uncertain Significance. Algorithms developed to predict the effect of missense changes on protein structure and function output the following: SIFT: "Not Available"; PolyPhen-2: "Benign"; Align-GVGD: "Not Available". The methionine amino acid residue is found in multiple mammalian species, which suggests that this missense change does not adversely affect protein function. This variant has not been reported in the literature in individuals affected with LONP1-related conditions. This variant is not present in population databases (gnomAD no frequency). This sequence change replaces threonine, which is neutral and polar, with methionine, which is neutral and non-polar, at codon 116 of the LONP1 protein (p.Thr116Met).

NM_004793.4(LONP1):c.347C>T (p.Thr116Met)

Genes: LONP1 (lon peptidase 1, mitochondrial; minus strand), LOC130063270 (ATAC-STARR-seq lymphoblastoid silent region 9931; plus strand). Cytogenetic location: 19p13.3.
Variant type: single nucleotide variant.
Coding change: c.347C>T on transcript NM_004793.4 (MANE Select); coding-DNA position 347, C replaced by T.
Protein change: p.Thr116Met; replaces threonine 116 with methionine.
Molecular consequence: missense variant. On other transcripts: non-coding transcript variant (1), intron variant (1).
Genome position (GRCh38, 1-based): chr19:5,719,786, G>A on the plus strand (C>T on the coding strand, the complement: LONP1 is on the minus strand). VCF-style: chr19-5719786-G-A. GRCh37 (hg19) VCF-style: chr19-5719797-G-A.
Other names: c.-160+433C>T (NM_001276480.1); c.155C>T, p.Thr52Met (NM_001276479.2); short protein forms T116M, T52M.
Identifiers: ClinVar variation 2808816 (VCV002808816.3), dbSNP rs201442569, ClinGen allele CA403543498.